The following is an entry in ClinVar:

NM_018979.4(WNK1):c.6574G>T (p.Asp2192Tyr)

Gene: WNK1 (WNK lysine deficient protein kinase 1; plus strand). Cytogenetic location: 12p13.33.
Variant type: single nucleotide variant.
Coding change: c.6574G>T on transcript NM_018979.4 (MANE Select); coding-DNA position 6574, G replaced by T.
Protein change: p.Asp2192Tyr; replaces aspartic acid 2192 with tyrosine.
Molecular consequence: missense variant.
Genome position (GRCh38, 1-based): chr12:900,601, G>T. VCF-style: chr12-900601-G-T. GRCh37 (hg19) VCF-style: chr12-1009767-G-T.
Other names: c.7354G>T, p.Asp2452Tyr (NM_001184985.2); c.5830G>T, p.Asp1944Tyr (NM_014823.3); c.7330G>T, p.Asp2444Tyr (NM_213655.5); short protein forms D2192Y, D2444Y, D2452Y, D1944Y.
Identifiers: ClinVar variation 1965362 (VCV001965362.5), dbSNP rs747750974, ClinGen allele CA6383433.

ClinVar aggregate classification (germline): Uncertain significance (1 of 4 stars; one submission).

Conditions:
Neuropathy, hereditary sensory and autonomic, type 2A (HSAN2A). Also called: HSAN IIA; WNK1-Related HSAN2 (HSAN2A); ACROOSTEOLYSIS, GIACCAI TYPE; ACROOSTEOLYSIS, NEUROGENIC; MORVAN DISEASE; NEUROPATHY, CONGENITAL SENSORY. Identifiers: Orphanet 970, MedGen C2752089, MONDO:0024309, OMIM 201300.
Pseudohypoaldosteronism type 2C (PHA2C). Also called: Pseudohypoaldosteronism Type IIC. Identifiers: Orphanet 757, Orphanet 88940, MedGen C1840391, MONDO:0013778, OMIM 614492.

Allele frequency attached by ClinVar (database versions not stated): gnomAD 0.00001; ExAC 0.00002; TOPMed 0.00002.

Submission:

Labcorp Genetics (formerly Invitae), Labcorp
Classification: Uncertain significance for Neuropathy, hereditary sensory and autonomic, type 2A; Pseudohypoaldosteronism type 2C. Last evaluated: 2023-10-03. Review status: criteria provided, single submitter. Criteria: Invitae Variant Classification Sherloc (09022015). Collection method: clinical testing. Allele origin: germline.
Comment: This sequence change replaces aspartic acid, which is acidic and polar, with tyrosine, which is neutral and polar, at codon 2444 of the WNK1 protein (p.Asp2444Tyr). This variant is present in population databases (rs747750974, gnomAD 0.003%). This variant has not been reported in the literature in individuals affected with WNK1-related conditions. ClinVar contains an entry for this variant (Variation ID: 1965362). Advanced modeling of protein sequence and biophysical properties (such as structural, functional, and spatial information, amino acid conservation, physicochemical variation, residue mobility, and thermodynamic stability) performed at Invitae indicates that this missense variant is not expected to disrupt WNK1 protein function. In summary, the available evidence is currently insufficient to determine the role of this variant in disease. Therefore, it has been classified as a Variant of Uncertain Significance.